The following is an entry in ClinVar:

ClinVar aggregate classification (germline): Uncertain significance. Review status: criteria provided, multiple submitters, no conflicts (2 of 4 stars). 4 submissions from 4 submitters: Uncertain significance (4). Last evaluated 2026-09-21.

Conditions:
NPHP1-related disorder. Also called: NPHP1-related disorders; NPHP1-related condition.
Senior-Loken syndrome 1 (SLSN1). Also called: JUVENILE NEPHRONOPHTHISIS WITH LEBER AMAUROSIS. Identifiers: Orphanet 3156, MedGen C4551559, MONDO:0009962, OMIM 266900.
Joubert syndrome with renal defect. Also called: JOUBERT SYNDROME 4. Identifiers: Orphanet 220497, MedGen C1846790, MONDO:0012308, OMIM 609583.
Nephronophthisis 1 (NPHP1). Also called: Nephronophthisis familial juvenile. Identifiers: Orphanet 655, Orphanet 93592, MedGen C1855681, MONDO:0009728, OMIM 256100.
Nephronophthisis. Also called: Juvenile Nephronophthisis. Identifiers: Orphanet 655, MedGen C0687120, MONDO:0019005, HP:0000090.

Allele frequency attached by ClinVar (database versions not stated): TOPMed 0.00002; ExAC 0.00003; ESP Exome Variant Server 0.00008; 1000 Genomes Project 0.00020; 1000 Genomes Project 30x 0.00031.
gnomAD v4.1: 17 of 1,613,998 alleles (0.0011%); highest among the groups gnomAD compares: South Asian, 0.0055%; no homozygotes.

Submissions (4):

PreventionGenetics, part of Exact Sciences
Classification: Uncertain significance for NPHP1-related condition. Last evaluated: 2026-09-21. Review status: criteria provided, single submitter. Criteria: ACMG Guidelines, 2015. Collection method: clinical testing. Allele origin: germline.
Comment: The NPHP1 c.2101G>A variant is predicted to result in the amino acid substitution p.Ala701Thr. To our knowledge, this variant has not been reported in the literature. This variant is reported in 0.012% of alleles in individuals of African descent in gnomAD. At this time, the clinical significance of this variant is uncertain due to the absence of conclusive functional and genetic evidence.

Labcorp Genetics (formerly Invitae), Labcorp
Classification: Uncertain significance for Nephronophthisis. Last evaluated: 2022-08-19. Review status: criteria provided, single submitter. Criteria: Invitae Variant Classification Sherloc (09022015). Collection method: clinical testing. Allele origin: germline.
Comment: This sequence change replaces alanine, which is neutral and non-polar, with threonine, which is neutral and polar, at codon 701 of the NPHP1 protein (p.Ala701Thr). This variant is present in population databases (rs201077898, gnomAD 0.01%). This variant has not been reported in the literature in individuals affected with NPHP1-related conditions. ClinVar contains an entry for this variant (Variation ID: 1030711). Algorithms developed to predict the effect of missense changes on protein structure and function are either unavailable or do not agree on the potential impact of this missense change (SIFT: "Tolerated"; PolyPhen-2: "Possibly Damaging"; Align-GVGD: "Class C0"). In summary, the available evidence is currently insufficient to determine the role of this variant in disease. Therefore, it has been classified as a Variant of Uncertain Significance.

Fulgent Genetics
Classification: Uncertain significance for Nephronophthisis 1; Senior-Loken syndrome 1; Joubert syndrome with renal defect. Last evaluated: 2021-09-15. Review status: criteria provided, single submitter. Criteria: ACMG Guidelines, 2015. Collection method: clinical testing. Allele origin: unknown.

Baylor Genetics
Classification: Uncertain significance for Joubert syndrome with renal defect. Last evaluated: 2019-10-21. Review status: criteria provided, single submitter. Criteria: ACMG Guidelines, 2015. Collection method: clinical testing. Allele origin: unknown. Affected: yes.
Comment: This variant was determined to be of uncertain significance according to ACMG Guidelines, 2015 [PMID:25741868].

NM_001128178.3(NPHP1):c.1933G>A (p.Ala645Thr)

Gene: NPHP1 (nephrocystin 1; minus strand). Cytogenetic location: 2q13.
Variant type: single nucleotide variant.
Coding change: c.1933G>A on transcript NM_001128178.3 (MANE Select); coding-DNA position 1933, G replaced by A.
Protein change: p.Ala645Thr; replaces alanine 645 with threonine.
Molecular consequence: missense variant. On other transcripts: 3 prime UTR variant (1).
Genome position (GRCh38, 1-based): chr2:110,123,892, C>T on the plus strand (G>A on the coding strand, the complement: NPHP1 is on the minus strand). VCF-style: chr2-110123892-C-T. GRCh37 (hg19) VCF-style: chr2-110881469-C-T.
Other names: c.2101G>A, p.Ala701Thr (NM_000272.5); c.1744G>A, p.Ala582Thr (NM_001128179.3); c.1930G>A, p.Ala644Thr (NM_001374256.1); c.*175G>A (NM_001374257.1); c.2098G>A, p.Ala700Thr (NM_207181.4); short protein forms A644T, A582T, A700T, A701T, A645T.
Identifiers: ClinVar variation 1030711 (VCV001030711.8), dbSNP rs201077898, ClinGen allele CA1826843.